The following is an entry in ClinVar:

NM_018896.5(CACNA1G):c.5536G>A (p.Val1846Met)

Gene: CACNA1G (calcium voltage-gated channel subunit alpha1 G; plus strand). Cytogenetic location: 17q21.33.
Variant type: single nucleotide variant.
Coding change: c.5536G>A on transcript NM_018896.5 (MANE Select); coding-DNA position 5536, G replaced by A.
Protein change: p.Val1846Met; replaces valine 1846 with methionine.
Molecular consequence: missense variant. On other transcripts: non-coding transcript variant (5).
Genome position (GRCh38, 1-based): chr17:50,618,763, G>A. VCF-style: chr17-50618763-G-A. GRCh37 (hg19) VCF-style: chr17-48696124-G-A.
Other names: c.5482G>A, p.Val1828Met (NM_001256324.2, NM_198386.3); c.5557G>A, p.Val1853Met (NM_001256325.2); c.5401G>A, p.Val1801Met (NM_001256326.2, NM_001256330.2); c.5515G>A, p.Val1839Met (NM_001256327.2); c.5461G>A, p.Val1821Met (NM_001256328.2); c.5434G>A, p.Val1812Met (NM_001256329.2, NM_198376.3, NM_198379.3 and 2 more transcripts); c.5380G>A, p.Val1794Met (NM_001256331.2); c.5365G>A, p.Val1789Met (NM_001256332.2); and 7 more; short protein forms V1789M, V1794M, V1801M, V1805M, V1808M, V1810M, V1812M, V1819M.
Identifiers: ClinVar variation 1706331 (VCV001706331.2), dbSNP rs2545761010, ClinGen allele CA400265659.

ClinVar aggregate classification (germline): Uncertain significance (1 of 4 stars; one submission).

Submission:

GeneDx
Classification: Uncertain significance. Last evaluated: 2022-03-15. Review status: criteria provided, single submitter. Criteria: GeneDx Variant Classification Process June 2021. Collection method: clinical testing. Allele origin: germline. Affected: yes.
Comment: Not observed at significant frequency in large population cohorts (gnomAD); In silico analysis supports that this missense variant has a deleterious effect on protein structure/function; Has not been previously published as pathogenic or benign to our knowledge